The following is an entry in ClinVar:

ClinVar aggregate classification (germline): Uncertain significance (1 of 4 stars; one submission).

Conditions:
Leukoencephalopathy-thalamus and brainstem anomalies-high lactate syndrome. Also called: LEUKOENCEPHALOPATHY WITH THALAMUS AND BRAINSTEM INVOLVEMENT AND HIGH LACTATE; Combined oxidative phosphorylation deficiency 12. Identifiers: Orphanet 314051, MedGen C4706421, MONDO:0013971, OMIM 614924.

Submission:

Neuberg Centre For Genomic Medicine, NCGM
Classification: Uncertain significance for Leukoencephalopathy-thalamus and brainstem anomalies-high lactate syndrome. Review status: criteria provided, single submitter. Criteria: ACMG Guidelines, 2015. Collection method: clinical testing. Allele origin: germline. Inheritance: Autosomal recessive inheritance. Affected: yes.
Comment: The missense c.739G>A (p.Gly247Ser) variant in EARS2 gene has not been reported previously as a pathogenic variant nor as a benign variant, to our knowledge. The p.Gly247Ser variant is absent in gnomAD Exomes. This variant has not been submitted to the ClinVar database. Multiple lines of computational evidence (Polyphen - Probably damaging, SIFT – Damaging and Mutation Taster - Disease causing) predict a damaging effect on protein structure and function for this variant. The reference amino acid at this position on EARS2 gene is predicted as conserved by GERP++ and PhyloP across 100 vertebrates. The amino acid Gly at position 247 is changed to a Ser changing protein sequence and it might alter its composition and physico-chemical properties. For these reasons, this variant has been classified as Variant of Uncertain Significance (VUS).

NM_001083614.2(EARS2):c.739G>A (p.Gly247Ser)

Gene: EARS2 (glutamyl-tRNA synthetase 2, mitochondrial; minus strand). Cytogenetic location: 16p12.2.
Variant type: single nucleotide variant.
Coding change: c.739G>A on transcript NM_001083614.2 (MANE Select); coding-DNA position 739, G replaced by A.
Protein change: p.Gly247Ser; replaces glycine 247 with serine.
Molecular consequence: missense variant. On other transcripts: non-coding transcript variant (1).
Genome position (GRCh38, 1-based): chr16:23,535,107, C>T on the plus strand (G>A on the coding strand, the complement: EARS2 is on the minus strand). VCF-style: chr16-23535107-C-T. GRCh37 (hg19) VCF-style: chr16-23546428-C-T.
Other names: c.739G>A, p.Gly247Ser (NM_001308211.1); short protein forms G247S.
Identifiers: ClinVar variation 3603298 (VCV003603298.1).